The following is an entry in ClinVar:

NM_198525.3(KIF7):c.3690G>A (p.Ser1230=)

Gene: KIF7 (kinesin family member 7; minus strand). Cytogenetic location: 15q26.1.
Variant type: single nucleotide variant.
Coding change: c.3690G>A on transcript NM_198525.3 (MANE Select); coding-DNA position 3690, G replaced by A.
Protein change: p.Ser1230=; no amino-acid change (serine 1230 retained).
Molecular consequence: synonymous variant.
Genome position (GRCh38, 1-based): chr15:89,628,761, C>T on the plus strand (G>A on the coding strand, the complement: KIF7 is on the minus strand). VCF-style: chr15-89628761-C-T. GRCh37 (hg19) VCF-style: chr15-90171992-C-T.
Other names: c.3690G>A (NM_198525.2).
Identifiers: ClinVar variation 1160397 (VCV001160397.11), dbSNP rs376563309, ClinGen allele CA7727571.

ClinVar aggregate classification (germline): Likely benign. Review status: criteria provided, multiple submitters, no conflicts (2 of 4 stars). 3 submissions from 3 submitters: Likely benign (2). 1 of the submissions does not count toward it. Last evaluated 2025-12-15.

Conditions:
KIF7-related disorder. Also called: KIF7-related condition.
Acrocallosal syndrome (ACLS). Also called: Schinzel syndrome 1; Absence of corpus callosum with unusual facial appearance, mental deficiency, duplication of the halluces and polydactyly; HALLUX DUPLICATION, POSTAXIAL POLYDACTYLY, AND ABSENCE OF CORPUS CALLOSUM. Identifiers: Orphanet 36, MedGen C0796147, MONDO:0008708, OMIM 200990.

Allele frequency attached by ClinVar (database versions not stated): ExAC 0.00004; gnomAD 0.00009 and 0.00011; TOPMed 0.00009; ESP Exome Variant Server 0.00023.
gnomAD v4.1: 40 of 1,612,104 alleles (0.0025%); highest among the groups gnomAD compares: East Asian, 0.027%; no homozygotes.

Submissions (3):

Labcorp Genetics (formerly Invitae), Labcorp
Classification: Likely benign for Acrocallosal syndrome. Last evaluated: 2025-12-15. Review status: criteria provided, single submitter. Criteria: Invitae Variant Classification Sherloc (09022015). Collection method: clinical testing. Allele origin: germline.

Blueprint Genetics
Classification: Likely benign. Last evaluated: 2021-09-02. Review status: criteria provided, single submitter. Criteria: ACMG Guidelines, 2015. Collection method: clinical testing. Allele origin: germline.

PreventionGenetics, part of Exact Sciences
Classification: Likely benign for KIF7-related condition. Last evaluated: 2021-07-08. Review status: no assertion criteria provided. Collection method: clinical testing. Allele origin: germline. Not counted in ClinVar's aggregate classification.
Comment: This variant is classified as likely benign based on ACMG/AMP sequence variant interpretation guidelines (Richards et al. 2015 PMID: 25741868, with internal and published modifications).